The following is an entry in ClinVar:

ClinVar aggregate classification (germline): Likely benign (1 of 4 stars; one submission).

Conditions:
CHD1-related disorder. Also called: CHD1-related condition.

Submission:

PreventionGenetics, part of Exact Sciences
Classification: Likely benign for CHD1-related condition. Last evaluated: 2025-05-14. Review status: criteria provided, single submitter. Criteria: ACMG Guidelines, 2015. Collection method: clinical testing. Allele origin: germline.
Comment: This variant is classified as likely benign based on ACMG/AMP sequence variant interpretation guidelines (Richards et al. 2015 PMID: 25741868, with internal and published modifications).

NM_001270.4(CHD1):c.2867+4G>A

Gene: CHD1 (chromodomain helicase DNA binding protein 1; minus strand). Cytogenetic location: 5q15.
Variant type: single nucleotide variant.
Coding change: c.2867+4G>A on transcript NM_001270.4 (MANE Select); 4 bases into the intron after coding-DNA position 2867, G replaced by A.
Molecular consequence: intron variant.
Genome position (GRCh38, 1-based): chr5:98,881,971, C>T on the plus strand (G>A on the coding strand, the complement: CHD1 is on the minus strand). VCF-style: chr5-98881971-C-T. GRCh37 (hg19) VCF-style: chr5-98217675-C-T.
Other names: c.2867+4G>A (NM_001376194.2, NM_001364113.3).
Identifiers: ClinVar variation 4997177 (VCV004997177.1).